The following is an entry in ClinVar:

ClinVar aggregate classification (germline): Uncertain significance. Review status: criteria provided, multiple submitters, no conflicts (2 of 4 stars). 2 submissions from 2 submitters: Uncertain significance (2). Last evaluated 2024-03-29.

Conditions:
Polysyndactyly 4. Also called: Polysyndactyly uncomplicated; Preaxial polydactyly 4. Identifiers: Orphanet 93338, MedGen C1868111, MONDO:0008272, OMIM 174700.
Polydactyly, postaxial, type A1. Identifiers: MedGen C4282400, MONDO:0008266, OMIM 174200.
Greig cephalopolysyndactyly syndrome (GCPS). Also called: Greig syndrome; POLYSYNDACTYLY WITH PECULIAR SKULL SHAPE; GLI3-Related Greig Cephalopolysyndactyly Syndrome. Identifiers: Orphanet 380, MedGen C0265306, MONDO:0008287, OMIM 175700.
Pallister-Hall syndrome (PHS). Also called: GLI3-Related Pallister-Hall Syndrome; HYPOTHALAMIC HAMARTOBLASTOMA, HYPOPITUITARISM, IMPERFORATE ANUS, AND POSTAXIAL POLYDACTYLY. Identifiers: Orphanet 672, MedGen C0265220, MONDO:0007804, OMIM 146510.

Submissions (2):

Fulgent Genetics
Classification: Uncertain significance for Pallister-Hall syndrome; Polydactyly, postaxial, type A1; Polysyndactyly 4; Greig cephalopolysyndactyly syndrome. Last evaluated: 2024-03-29. Review status: criteria provided, single submitter. Criteria: ACMG Guidelines, 2015. Collection method: clinical testing. Allele origin: germline.

GeneDx
Classification: Uncertain significance. Last evaluated: 2017-02-01. Review status: criteria provided, single submitter. Criteria: GeneDx Variant Classification (06012015). Collection method: clinical testing. Allele origin: germline. Affected: yes.
Comment: A variant of uncertain significance has been identified in the GLI3 gene. The c.3140_3141delAGinsCA variant has not been published as a pathogenic variant, nor has it been reported as a benign variant to our knowledge. The c.3140_3141delAGinsCA variant is not observed in large population cohorts (Lek et al., 2016; 1000 Genomes Consortium et al., 2015; Exome Variant Server). The c.3140_3141delAGinsCA variant is caused by two nucleotide substitutions (c.3140 A>C and c.3141 G>A) on the same allele (in cis), resulting in an in-frame deletion of a single Glutamine residue and the insertion of a single Proline residue at amino acid position 1047, denoted Q1047P. The Q1047P variant is a non-conservative amino acid substitution, which is likely to impact secondary protein structure as these residues differ in polarity, charge, size and/or other properties. This substitution occurs at a position where amino acids with similar properties to Glutamine are tolerated across species. In silico analysis predicts this variant is probably damaging to the protein structure/function. However, missense variants in nearby residues have not been reported in the Human Gene Mutation Database in association with GLI3-related disorders (Stenson et al., 2014). Therefore, based on the currently available information, it is unclear whether this variant is a pathogenic variant or a rare benign variant.

NM_000168.6(GLI3):c.3140_3141delinsCA (p.Gln1047Pro)

Gene: GLI3 (GLI family zinc finger 3; minus strand). Cytogenetic location: 7p14.1.
Variant type: Indel.
Coding change: c.3140_3141delinsCA on transcript NM_000168.6 (MANE Select); coding-DNA positions 3140 to 3141, AG replaced by CA.
Protein change: p.Gln1047Pro; replaces glutamine 1047 with proline.
Molecular consequence: missense variant.
Genome position (GRCh38, 1-based): chr7:41,965,932-41,965,933, CT replaced by TG on the plus strand (AG replaced by CA on the coding strand, the reverse complement: GLI3 is on the minus strand). VCF-style: chr7-41965932-CT-TG. GRCh37 (hg19) VCF-style: chr7-42005530-CT-TG.
Other names: short protein forms Q1047P.
Identifiers: ClinVar variation 423252 (VCV000423252.3), dbSNP rs1064796326, ClinGen allele CA16618461.